The following is an entry in ClinVar:

NM_005754.3(G3BP1):c.1244C>T (p.Thr415Ile)

Gene: G3BP1 (G3BP stress granule assembly factor 1; plus strand). Cytogenetic location: 5q33.1.
Variant type: single nucleotide variant.
Coding change: c.1244C>T on transcript NM_005754.3 (MANE Select); coding-DNA position 1244, C replaced by T.
Protein change: p.Thr415Ile; replaces threonine 415 with isoleucine.
Molecular consequence: missense variant.
Genome position (GRCh38, 1-based): chr5:151,803,934, C>T. VCF-style: chr5-151803934-C-T. GRCh37 (hg19) VCF-style: chr5-151183495-C-T.
Other names: c.1244C>T, p.Thr415Ile (NM_198395.2); short protein forms T415I.
Identifiers: ClinVar variation 4083271 (VCV004083271.1).

ClinVar aggregate classification (germline): Uncertain significance (1 of 4 stars; one submission).

Submission:

GeneDx
Classification: Uncertain significance. Last evaluated: 2025-03-12. Review status: criteria provided, single submitter. Criteria: GeneDx Variant Classification Process June 2021. Collection method: clinical testing. Allele origin: germline. Affected: yes.
Comment: Not observed at significant frequency in large population cohorts (gnomAD); In silico analysis supports that this missense variant has a deleterious effect on protein structure/function; Has not been previously published as pathogenic or benign to our knowledge